The following is an entry in ClinVar:

NM_022367.4(SEMA4A):c.861G>T (p.Leu287=)

Gene: SEMA4A (semaphorin 4A; plus strand). Cytogenetic location: 1q22.
Variant type: single nucleotide variant.
Coding change: c.861G>T on transcript NM_022367.4 (MANE Select); coding-DNA position 861, G replaced by T.
Protein change: p.Leu287=; no amino-acid change (leucine 287 retained).
Molecular consequence: synonymous variant.
Genome position (GRCh38, 1-based): chr1:156,161,396, G>T. VCF-style: chr1-156161396-G-T. GRCh37 (hg19) VCF-style: chr1-156131187-G-T.
Other names: c.861G>T, p.Leu287= (NM_001193300.2, NM_001193301.2, NM_001370567.1); c.465G>T, p.Leu155= (NM_001193302.2); c.564G>T, p.Leu188= (NM_001370568.1); c.354G>T, p.Leu118= (NM_001370569.1, NM_001370571.1).
Identifiers: ClinVar variation 728541 (VCV000728541.16), dbSNP rs138398085, ClinGen allele CA1155206.

ClinVar aggregate classification (germline): Conflicting classifications of pathogenicity. Review status: criteria provided, conflicting classifications (1 of 4 stars). 5 submissions from 4 submitters: Uncertain significance (1); Benign (1); Likely benign (3). Last evaluated 2025-12-20.

Conditions:
Retinal dystrophy. Also called: Inherited retinal dystrophy. Identifiers: Orphanet 71862, MedGen C0854723, MeSH D058499, MONDO:0019118, HP:0000556.
Retinitis pigmentosa (RP). Identifiers: Orphanet 791, MedGen C0035334, MeSH D012174, MONDO:0019200, OMIM 268000. Inheritance: Autosomal dominant, autosomal recessive and X linked inheritance.
Cone-rod dystrophy 10 (CORD10). Identifiers: Orphanet 1872, MedGen C1846529, MONDO:0012464, OMIM 610283.

Allele frequency attached by ClinVar (database versions not stated): TOPMed 0.00005; gnomAD 0.00006 and 0.00025; gnomAD exomes 0.00010 and 0.00051; ExAC 0.00012; 1000 Genomes Project 30x 0.00109; 1000 Genomes Project 0.00140.
gnomAD v4.1: 726 of 1,538,912 alleles (0.047%); highest among the groups gnomAD compares: East Asian, 1.8%; 14 homozygotes.

Submissions (5):

Labcorp Genetics (formerly Invitae), Labcorp
Classification: Likely benign. Last evaluated: 2025-12-20. Review status: criteria provided, single submitter. Criteria: Invitae Variant Classification Sherloc (09022015). Collection method: clinical testing. Allele origin: germline.

Dept Of Ophthalmology, Nagoya University
Classification: Benign for Retinal dystrophy. Last evaluated: 2023-10-01. Review status: criteria provided, single submitter. Criteria: Submitter's publication. Collection method: research. Allele origin: germline. Affected: yes.

Blueprint Genetics
Classification: Likely benign. Last evaluated: 2022-11-07. Review status: criteria provided, single submitter. Criteria: ACMG Guidelines, 2015. Collection method: clinical testing. Allele origin: germline.

Illumina Laboratory Services, Illumina
Classification: Likely benign for Retinitis pigmentosa. Last evaluated: 2018-01-12. Review status: criteria provided, single submitter. Criteria: ICSL Variant Classification Criteria 13 December 2019. Collection method: clinical testing. Allele origin: germline.
Comment: This variant was observed in the ICSL laboratory as part of a predisposition screen in an ostensibly healthy population. It had not been previously curated by ICSL or reported in the Human Gene Mutation Database (HGMD: prior to June 1st, 2018), and was therefore a candidate for classification through an automated scoring system. Utilizing variant allele frequency, disease prevalence and penetrance estimates, and inheritance mode, an automated score was calculated to assess if this variant is too frequent to cause the disease. Based on the score and internal cut-off values, a variant classified as likely benign is not then subjected to further curation. The score for this variant resulted in a classification of likely benign for this disease.

Illumina Laboratory Services, Illumina
Classification: Uncertain significance for Cone-rod dystrophy 10. Last evaluated: 2018-01-12. Review status: criteria provided, single submitter. Criteria: ICSL Variant Classification Criteria 13 December 2019. Collection method: clinical testing. Allele origin: germline.